The following is an entry in ClinVar:

NM_032444.4(SLX4):c.145G>A (p.Glu49Lys)

Gene: SLX4 (SLX4 structure-specific endonuclease subunit; minus strand). Cytogenetic location: 16p13.3.
Variant type: single nucleotide variant.
Coding change: c.145G>A on transcript NM_032444.4 (MANE Select); coding-DNA position 145, G replaced by A.
Protein change: p.Glu49Lys; replaces glutamic acid 49 with lysine.
Molecular consequence: missense variant.
Genome position (GRCh38, 1-based): chr16:3,608,820, C>T on the plus strand (G>A on the coding strand, the complement: SLX4 is on the minus strand). VCF-style: chr16-3608820-C-T. GRCh37 (hg19) VCF-style: chr16-3658821-C-T.
Other names: c.145G>A (LRG_503t1); short protein forms E49K.
Identifiers: ClinVar variation 526398 (VCV000526398.12), dbSNP rs139757085, ClinGen allele CA7866941.

ClinVar aggregate classification (germline): Uncertain significance. Review status: criteria provided, multiple submitters, no conflicts (2 of 4 stars). 4 submissions from 4 submitters: Uncertain significance (4). Last evaluated 2025-08-29.

Conditions:
Fanconi anemia complementation group P. Also called: SLX4-Related Fanconi Anemia. Identifiers: Orphanet 84, MedGen C3469542, MONDO:0013499, OMIM 613951.
Fanconi anemia (FA). Also called: Fanconi's anemia. Identifiers: Orphanet 84, MedGen C0015625, MeSH D005199, MONDO:0019391.

Allele frequency attached by ClinVar (database versions not stated): gnomAD exomes 0.00003 and 0.00006; ExAC 0.00004; TOPMed 0.00004; gnomAD 0.00005; ESP Exome Variant Server 0.00008.
gnomAD v4.1: 59 of 1,614,028 alleles (0.0037%); highest among the groups gnomAD compares: Admixed American, 0.015%; 1 homozygote.

Submissions (4):

Labcorp Genetics (formerly Invitae), Labcorp
Classification: Uncertain significance for Fanconi anemia. Last evaluated: 2025-08-29. Review status: criteria provided, single submitter. Criteria: Invitae Variant Classification Sherloc (09022015). Collection method: clinical testing. Allele origin: germline.
Comment: This sequence change replaces glutamic acid, which is acidic and polar, with lysine, which is basic and polar, at codon 49 of the SLX4 protein (p.Glu49Lys). This variant is present in population databases (rs139757085, gnomAD 0.1%). This missense change has been observed in individual(s) with breast cancer (PMID: 23840564). ClinVar contains an entry for this variant (Variation ID: 526398). An algorithm developed to predict the effect of missense changes on protein structure and function (PolyPhen-2) suggests that this variant is likely to be tolerated. In summary, the available evidence is currently insufficient to determine the role of this variant in disease. Therefore, it has been classified as a Variant of Uncertain Significance.

Baylor Genetics
Classification: Uncertain significance for Fanconi anemia complementation group P. Last evaluated: 2024-02-29. Review status: criteria provided, single submitter. Criteria: ACMG Guidelines, 2015. Collection method: clinical testing. Allele origin: unknown.

Fulgent Genetics
Classification: Uncertain significance for Fanconi anemia complementation group P. Last evaluated: 2024-01-24. Review status: criteria provided, single submitter. Criteria: ACMG Guidelines, 2015. Collection method: clinical testing. Allele origin: germline.

Revvity Omics, Revvity
Classification: Uncertain significance for Fanconi anemia complementation group P. Last evaluated: 2020-10-21. Review status: criteria provided, single submitter. Criteria: ACMG Guidelines, 2015. Collection method: clinical testing. Allele origin: germline.

Literature cited by the submitters: PubMed 23840564 (cited by Labcorp Genetics (formerly Invitae), Labcorp).